The following is an entry in ClinVar:

ClinVar aggregate classification (germline): Uncertain significance. Review status: criteria provided, multiple submitters, no conflicts (2 of 4 stars). 3 submissions from 3 submitters: Uncertain significance (3). Last evaluated 2025-09-10.

Conditions:
Atrial septal defect 4 (ASD4). Identifiers: Orphanet 1478, MedGen C1969657, MONDO:0012654, OMIM 611363.
Cardiovascular phenotype. Identifiers: MedGen CN230736.

Allele frequency attached by ClinVar (database versions not stated): gnomAD exomes 0.00001 and 0.00002; gnomAD 0.00002; ExAC 0.00004; TOPMed 0.00004.

Submissions (3):

Labcorp Genetics (formerly Invitae), Labcorp
Classification: Uncertain significance. Last evaluated: 2025-09-10. Review status: criteria provided, single submitter. Criteria: Invitae Variant Classification Sherloc (09022015). Collection method: clinical testing. Allele origin: germline.
Comment: This sequence change replaces leucine, which is neutral and non-polar, with valine, which is neutral and non-polar, at codon 346 of the TBX20 protein (p.Leu346Val). This variant is present in population databases (rs768158277, gnomAD 0.02%). This variant has not been reported in the literature in individuals affected with TBX20-related conditions. ClinVar contains an entry for this variant (Variation ID: 1493849). Invitae Evidence Modeling of protein sequence and biophysical properties (such as structural, functional, and spatial information, amino acid conservation, physicochemical variation, residue mobility, and thermodynamic stability) indicates that this missense variant is not expected to disrupt TBX20 protein function with a negative predictive value of 80%. In summary, the available evidence is currently insufficient to determine the role of this variant in disease. Therefore, it has been classified as a Variant of Uncertain Significance.

Ambry Genetics
Classification: Uncertain significance for Cardiovascular phenotype. Last evaluated: 2024-04-12. Review status: criteria provided, single submitter. Criteria: Ambry Variant Classification Scheme 2023. Collection method: clinical testing. Allele origin: germline.
Comment: The p.L346V variant (also known as c.1036C>G), located in coding exon 8 of the TBX20 gene, results from a C to G substitution at nucleotide position 1036. The leucine at codon 346 is replaced by valine, an amino acid with highly similar properties. This amino acid position is conserved. In addition, the in silico prediction for this alteration is inconclusive. Based on the available evidence, the clinical significance of this variant remains unclear.

Fulgent Genetics
Classification: Uncertain significance for Atrial septal defect 4. Last evaluated: 2021-12-03. Review status: criteria provided, single submitter. Criteria: ACMG Guidelines, 2015. Collection method: clinical testing. Allele origin: unknown.

NM_001077653.2(TBX20):c.1036C>G (p.Leu346Val)

Gene: TBX20 (T-box transcription factor 20; minus strand). Cytogenetic location: 7p14.2.
Variant type: single nucleotide variant.
Coding change: c.1036C>G on transcript NM_001077653.2 (MANE Select); coding-DNA position 1036, C replaced by G.
Protein change: p.Leu346Val; replaces leucine 346 with valine.
Molecular consequence: missense variant.
Genome position (GRCh38, 1-based): chr7:35,202,738, G>C on the plus strand (C>G on the coding strand, the complement: TBX20 is on the minus strand). VCF-style: chr7-35202738-G-C. GRCh37 (hg19) VCF-style: chr7-35242350-G-C.
Other names: short protein forms L346V.
Identifiers: ClinVar variation 1493849 (VCV001493849.10), dbSNP rs768158277, ClinGen allele CA4217363.